The following is an entry in ClinVar:

NM_001376.5(DYNC1H1):c.10601A>G (p.His3534Arg)

Gene: DYNC1H1 (dynein cytoplasmic 1 heavy chain 1; plus strand). Cytogenetic location: 14q32.31.
Variant type: single nucleotide variant.
Coding change: c.10601A>G on transcript NM_001376.5 (MANE Select); coding-DNA position 10601, A replaced by G.
Protein change: p.His3534Arg; replaces histidine 3534 with arginine.
Molecular consequence: missense variant.
Genome position (GRCh38, 1-based): chr14:102,034,163, A>G. VCF-style: chr14-102034163-A-G. GRCh37 (hg19) VCF-style: chr14-102500500-A-G.
Other names: short protein forms H3534R.
Identifiers: ClinVar variation 4282120 (VCV004282120.1).

ClinVar aggregate classification (germline): Uncertain significance (1 of 4 stars; one submission).

Submission:

GeneDx
Classification: Uncertain significance. Last evaluated: 2025-04-10. Review status: criteria provided, single submitter. Criteria: GeneDx Variant Classification Process June 2021. Collection method: clinical testing. Allele origin: germline. Affected: yes.
Comment: Not observed at significant frequency in large population cohorts (gnomAD); In silico analysis indicates that this missense variant does not alter protein structure/function; Has not been previously published as pathogenic or benign to our knowledge; This variant is associated with the following publications: (PMID: 25512093, 25609763, 26100331)